The following is an entry in ClinVar:

ClinVar aggregate classification (germline): Uncertain significance (1 of 4 stars; one submission).

Conditions:
Myoclonic dystonia 11 (DYT11). Also called: Myoclonic dystonia; Dystonia 11; Dystonia, alcohol responsive; Hereditary essential myoclonus; SGCE Myoclonus-Dystonia; Myoclonus-Dystonia. Identifiers: Orphanet 36899, MedGen C1834570, MONDO:0008044, OMIM 159900.

Submission:

Labcorp Genetics (formerly Invitae), Labcorp
Classification: Uncertain significance for Myoclonic dystonia 11. Last evaluated: 2023-05-25. Review status: criteria provided, single submitter. Criteria: Invitae Variant Classification Sherloc (09022015). Collection method: clinical testing. Allele origin: germline.
Comment: This variant is not present in population databases (gnomAD no frequency). This sequence change creates a premature translational stop signal (p.Gly10*) in the SGCE gene. However, it is currently unclear if variants that occur in this region of the gene cause disease. This variant has not been reported in the literature in individuals affected with SGCE-related conditions. In summary, the available evidence is currently insufficient to determine the role of this variant in disease. Therefore, it has been classified as a Variant of Uncertain Significance. Experimental studies and prediction algorithms are not available or were not evaluated, and the functional significance of this variant is currently unknown.

NM_003919.3(SGCE):c.28G>T (p.Gly10Ter)

Gene: SGCE (sarcoglycan epsilon; minus strand). Cytogenetic location: 7q21.3.
Variant type: single nucleotide variant.
Coding change: c.28G>T on transcript NM_003919.3 (MANE Select); coding-DNA position 28, G replaced by T.
Protein change: p.Gly10Ter; replaces glycine 10 with a stop codon.
Molecular consequence: nonsense. On other transcripts: 5 prime UTR variant (4).
Genome position (GRCh38, 1-based): chr7:94,656,071, C>A on the plus strand (G>T on the coding strand, the complement: SGCE is on the minus strand). VCF-style: chr7-94656071-C-A. GRCh37 (hg19) VCF-style: chr7-94285383-C-A.
Other names: c.28G>T, p.Gly10Ter (NM_001099400.2, NM_001099401.2, NM_001301139.2 and 4 more transcripts); c.-230G>T (NM_001346719.2); c.-308G>T (NM_001346720.2, NM_001362808.2); c.-236G>T (NM_001362807.2); short protein forms G10*.
Identifiers: ClinVar variation 2981198 (VCV002981198.3), dbSNP rs2485410837, ClinGen allele CA368393710.